The following is an entry in ClinVar:

ClinVar aggregate classification (germline): Uncertain significance. Review status: criteria provided, multiple submitters, no conflicts (2 of 4 stars). 2 submissions from 2 submitters: Uncertain significance (2). Last evaluated 2025-08-18.

Conditions:
Inborn genetic diseases. Identifiers: MedGen C0950123, MeSH D030342.

Allele frequency attached by ClinVar (database versions not stated): gnomAD 0.00001; gnomAD exomes 0.00001 and 0.00002; ExAC 0.00002; TOPMed 0.00003.
gnomAD v4.1: 14 of 1,614,020 alleles (0.00087%); highest among the groups gnomAD compares: Admixed American, 0.0067%; no homozygotes.

Submissions (2):

Labcorp Genetics (formerly Invitae), Labcorp
Classification: Uncertain significance. Last evaluated: 2025-08-18. Review status: criteria provided, single submitter. Criteria: Invitae Variant Classification Sherloc (09022015). Collection method: clinical testing. Allele origin: germline.
Comment: This sequence change replaces alanine, which is neutral and non-polar, with serine, which is neutral and polar, at codon 1732 of the UBR1 protein (p.Ala1732Ser). This variant is present in population databases (rs760804119, gnomAD 0.009%). This variant has not been reported in the literature in individuals affected with UBR1-related conditions. ClinVar contains an entry for this variant (Variation ID: 1491521). Invitae Evidence Modeling of protein sequence and biophysical properties (such as structural, functional, and spatial information, amino acid conservation, physicochemical variation, residue mobility, and thermodynamic stability) indicates that this missense variant is not expected to disrupt UBR1 protein function with a negative predictive value of 80%. In summary, the available evidence is currently insufficient to determine the role of this variant in disease. Therefore, it has been classified as a Variant of Uncertain Significance.

Ambry Genetics
Classification: Uncertain significance for Inborn genetic diseases. Last evaluated: 2022-10-12. Review status: criteria provided, single submitter. Criteria: Ambry Variant Classification Scheme 2023. Collection method: clinical testing. Allele origin: germline.

NM_174916.3(UBR1):c.5194G>T (p.Ala1732Ser)

Gene: UBR1 (ubiquitin protein ligase E3 component n-recognin 1; minus strand). Cytogenetic location: 15q15.2.
Variant type: single nucleotide variant.
Coding change: c.5194G>T on transcript NM_174916.3 (MANE Select); coding-DNA position 5194, G replaced by T.
Protein change: p.Ala1732Ser; replaces alanine 1732 with serine.
Molecular consequence: missense variant.
Genome position (GRCh38, 1-based): chr15:42,945,385, C>A on the plus strand (G>T on the coding strand, the complement: UBR1 is on the minus strand). VCF-style: chr15-42945385-C-A. GRCh37 (hg19) VCF-style: chr15-43237583-C-A.
Other names: c.5194G>T (NM_174916.2); short protein forms A1732S.
Identifiers: ClinVar variation 1491521 (VCV001491521.5), dbSNP rs760804119, ClinGen allele CA7517650.